The following is an entry in ClinVar:

NM_030882.4(APOL2):c.11-1G>C

Gene: APOL2 (apolipoprotein L2; minus strand). Cytogenetic location: 22q12.3.
Variant type: single nucleotide variant.
Coding change: c.11-1G>C on transcript NM_030882.4 (MANE Select); the canonical splice acceptor site of the intron before coding-DNA position 11, G replaced by C.
Molecular consequence: splice acceptor variant.
Genome position (GRCh38, 1-based): chr22:36,231,467, C>G on the plus strand (G>C on the coding strand, the complement: APOL2 is on the minus strand). VCF-style: chr22-36231467-C-G. GRCh37 (hg19) VCF-style: chr22-36627513-C-G.
Other names: c.11-1G>C (NM_145637.3).
Identifiers: ClinVar variation 3907212 (VCV003907212.1).

ClinVar aggregate classification (germline): Uncertain significance (1 of 4 stars; one submission).

Submission:

Women's Health and Genetics/Laboratory Corporation of America, LabCorp
Classification: Uncertain significance. Last evaluated: 2025-06-11. Review status: criteria provided, single submitter. Criteria: LabCorp Variant Classification Summary - May 2015. Collection method: clinical testing. Allele origin: germline.
Comment: Variant summary: APOL2 c.11-1G>C is located in a canonical splice-site and is predicted to affect mRNA splicing resulting in a significantly altered protein due to either exon skipping, shortening, or inclusion of intronic material. Variants that disrupt the consensus splice site are a relatively common cause of aberrant splicing, however current evidence is not sufficient to establish loss of function as a mechanism for disease. Several computational tools predict a significant impact on normal splicing: Four predict the variant abolishes a 3' acceptor site. Four predict the variant creates a 3' acceptor site. However, these predictions have yet to be confirmed by functional studies. The frequency data for this variant in gnomAD is considered unreliable, as metrics indicate poor data quality at this position. To our knowledge, no occurrence of c.11-1G>C in individuals affected with Schizophrenia and no experimental evidence demonstrating its impact on protein function have been reported. No submitters have cited clinical-significance assessments for this variant to ClinVar. Based on the evidence outlined above, the variant was classified as uncertain significance.